The following is an entry in ClinVar:

ClinVar aggregate classification (germline): Pathogenic. Review status: reviewed by expert panel (3 of 4 stars). 7 submissions from 7 submitters: Pathogenic (1). 6 of the submissions do not count toward it. Last evaluated 2016-09-08.

Conditions:
Inherited ovarian cancer (without breast cancer).
Hereditary cancer-predisposing syndrome. Also called: Hereditary Cancer Syndrome; Hereditary neoplastic syndrome; Neoplastic Syndromes, Hereditary; Tumor predisposition. Identifiers: Orphanet 140162, MedGen C0027672, MeSH D009386, MONDO:0015356.
Breast-ovarian cancer, familial, susceptibility to, 1 (BROVCA1). Also called: BRCA1 Hereditary Breast and Ovarian Cancer; OVARIAN CANCER, SUSCEPTIBILITY TO. Identifiers: Orphanet 145, MedGen C2676676, MONDO:0011450, OMIM 604370. Disease mechanism: loss of function.
Hereditary breast ovarian cancer syndrome. Also called: BRCA1- and BRCA2-Associated Hereditary Breast and Ovarian Cancer; Hereditary breast and ovarian cancer syndrome; Hereditary breast and ovarian cancer syndrome (HBOC); Breast and ovarian cancer; Hereditary breast and/or ovarian cancer syndrome; Hereditary breast and ovarian cancer. Identifiers: Orphanet 145, MedGen C0677776, MeSH D061325, MONDO:0003582. Disease mechanism: loss of function.

Submissions (7):

Evidence-based Network for the Interpretation of Germline Mutant Alleles (ENIGMA)
Classification: Pathogenic for Breast-ovarian cancer, familial, susceptibility to, 1. Last evaluated: 2016-09-08. Review status: reviewed by expert panel. Criteria: ENIGMA BRCA1/2 Classification Criteria (2015). Collection method: curation. Allele origin: germline.
Comment: Variant allele predicted to encode a truncated non-functional protein.

Genomics and Molecular Medicine Service, East Genomic Laboratory Hub, NHS Genomic Medicine Service
Classification: Pathogenic for Inherited ovarian cancer (without breast cancer). Last evaluated: 2026-04-29. Review status: criteria provided, single submitter. Criteria: ACGS Best Practice Guidelines for Variant Classification in Rare Disease 2020. Collection method: clinical testing. Allele origin: germline. Affected: yes. Not counted in ClinVar's aggregate classification.
Comment: PVS1,PM2_Supporting,PM5_Strong

Labcorp Genetics (formerly Invitae), Labcorp
Classification: Pathogenic for Hereditary breast ovarian cancer syndrome. Last evaluated: 2024-01-10. Review status: criteria provided, single submitter. Criteria: Invitae Variant Classification Sherloc (09022015). Collection method: clinical testing. Allele origin: germline. Not counted in ClinVar's aggregate classification.
Comment: This sequence change creates a premature translational stop signal (p.Glu1375*) in the BRCA1 gene. It is expected to result in an absent or disrupted protein product. Loss-of-function variants in BRCA1 are known to be pathogenic (PMID: 20104584). This variant is not present in population databases (gnomAD no frequency). This premature translational stop signal has been observed in individual(s) with breast and/or ovarian cancer (PMID: 29446198). ClinVar contains an entry for this variant (Variation ID: 55108). For these reasons, this variant has been classified as Pathogenic.

Ambry Genetics
Classification: Pathogenic for Hereditary cancer-predisposing syndrome. Last evaluated: 2023-06-09. Review status: criteria provided, single submitter. Criteria: Ambry Variant Classification Scheme 2023. Collection method: clinical testing. Allele origin: germline. Not counted in ClinVar's aggregate classification.
Comment: The p.E1375* pathogenic mutation (also known as c.4123G>T), located in coding exon 10 of the BRCA1 gene, results from a G to T substitution at nucleotide position 4123. This changes the amino acid from a glutamic acid to a stop codon within coding exon 10. This variant is considered to be rare based on population cohorts in the Genome Aggregation Database (gnomAD). In addition to the clinical information presented in the literature, this alteration is expected to result in loss of function by premature protein truncation or nonsense-mediated mRNA decay. As such, this alteration is interpreted as a disease-causing mutation.

Consortium of Investigators of Modifiers of BRCA1/2 (CIMBA), c/o University of Cambridge
Classification: Pathogenic for Breast-ovarian cancer, familial, susceptibility to, 1. Last evaluated: 2015-10-02. Review status: criteria provided, single submitter. Criteria: CIMBA Mutation Classification guidelines May 2016. Collection method: clinical testing. Allele origin: germline. Not counted in ClinVar's aggregate classification.

BRCAlab, Lund University
Classification: Pathogenic for Breast-ovarian cancer, familial, susceptibility to, 1. Last evaluated: 2020-03-02. Review status: no assertion criteria provided. Collection method: clinical testing. Allele origin: germline. Affected: yes. Not counted in ClinVar's aggregate classification.

Breast Cancer Information Core (BIC) (BRCA1)
Classification: Pathogenic for Breast-ovarian cancer, familial 1. Review status: no assertion criteria provided. Collection method: clinical testing. Allele origin: germline. Affected: yes. Observed: 1 variant allele. Not counted in ClinVar's aggregate classification.

Literature cited by the submitters: PubMed 20104584 (cited by Labcorp Genetics (formerly Invitae), Labcorp); PubMed 29446198 (cited by Labcorp Genetics (formerly Invitae), Labcorp and Ambry Genetics); PubMed 33758026 (cited by Ambry Genetics).

NM_007294.4(BRCA1):c.4123G>T (p.Glu1375Ter)

Gene: BRCA1 (BRCA1 DNA repair associated; minus strand). Cytogenetic location: 17q21.31.
Variant type: single nucleotide variant.
Coding change: c.4123G>T on transcript NM_007294.4 (MANE Select); coding-DNA position 4123, G replaced by T.
Protein change: p.Glu1375Ter; replaces glutamic acid 1375 with a stop codon.
Molecular consequence: nonsense. On other transcripts: non-coding transcript variant (1).
Genome position (GRCh38, 1-based): chr17:43,091,006, C>A on the plus strand (G>T on the coding strand, the complement: BRCA1 is on the minus strand). VCF-style: chr17-43091006-C-A. GRCh37 (hg19) VCF-style: chr17-41243023-C-A.
Other names: c.4123G>T, p.Glu1375Ter (NM_001407596.1, NM_001407597.1, NM_001407598.1 and 30 more transcripts); c.4120G>T, p.Glu1374Ter (NM_001407610.1, NM_001407611.1, NM_001407612.1 and 22 more transcripts); c.4114G>T, p.Glu1372Ter (NM_001407646.1, NM_001407647.1); c.4000G>T, p.Glu1334Ter (NM_001407648.1, NM_001407683.1, NM_001407863.1 and 19 more transcripts); c.3997G>T, p.Glu1333Ter (NM_001407649.1, NM_001407685.1, NM_001407686.1 and 11 more transcripts); c.4045G>T, p.Glu1349Ter (NM_001407653.1, NM_001407654.1, NM_001407655.1 and 4 more transcripts); c.3982G>T, p.Glu1328Ter (NM_001407692.1, NM_001407728.1, NM_001407729.1 and 29 more transcripts); c.3979G>T, p.Glu1327Ter (NM_001407747.1, NM_001407748.1, NM_001407749.1 and 20 more transcripts); and 41 more; short protein forms E1375*, E272*, E1328*, E191*, E204*, E205*, E227*, E246*.
Identifiers: ClinVar variation 55108 (VCV000055108.17), dbSNP rs80357397, ClinGen allele CA002644.
Genomic context (GRCh38, chr17:43,091,006, plus strand): 5'-GAGTGGTTAAAATGTCACTCTGAGAGGATAGCCCTGAGCAGTCTTCAGAGACGCTTGTTT[C>A]ACTCTCACACCCAGATGCTGCTTCACCTTAAATAACAAAAACAGAGGTTCAGATGTAAAA-3'